The following is an entry in ClinVar:

ClinVar aggregate classification (germline): Likely benign. Review status: criteria provided, single submitter (1 of 4 stars). 2 submissions from 2 submitters: Likely benign (1). 1 of the submissions does not count toward it. Last evaluated 2023-02-14.

Conditions:
DYNC2H1-related disorder. Also called: DYNC2H1-related condition; DYNC2H1-related disorders. Identifiers: MedGen CN378770.
Jeune thoracic dystrophy. Also called: Infantile thoracic dystrophy; Thoracic pelvic phalangeal dystrophy; Jeune's syndrome; Chondroectodermal dysplasia-like syndrome; Jeune syndrome; Short-rib thoracic dysplasia. Identifiers: Orphanet 474, MedGen C0265275, MONDO:0018770.

Allele frequency attached by ClinVar (database versions not stated): TOPMed below 0.00001; gnomAD 0.00001; ExAC 0.00002.
gnomAD v4.1: 8 of 1,609,750 alleles (0.0005%); highest among the groups gnomAD compares: South Asian, 0.0067%; 1 homozygote.

Submissions (2):

Labcorp Genetics (formerly Invitae), Labcorp
Classification: Likely benign for Jeune thoracic dystrophy. Last evaluated: 2023-02-14. Review status: criteria provided, single submitter. Criteria: Invitae Variant Classification Sherloc (09022015). Collection method: clinical testing. Allele origin: germline.

PreventionGenetics, part of Exact Sciences
Classification: Likely benign for DYNC2H1-related condition. Last evaluated: 2022-07-20. Review status: no assertion criteria provided. Collection method: clinical testing. Allele origin: germline. Not counted in ClinVar's aggregate classification.
Comment: This variant is classified as likely benign based on ACMG/AMP sequence variant interpretation guidelines (Richards et al. 2015 PMID: 25741868, with internal and published modifications).

NM_001377.3(DYNC2H1):c.12030C>A (p.Ile4010=)

Gene: DYNC2H1 (dynein cytoplasmic 2 heavy chain 1; plus strand). Cytogenetic location: 11q22.3.
Variant type: single nucleotide variant.
Coding change: c.12030C>A on transcript NM_001377.3 (MANE Select); coding-DNA position 12030, C replaced by A.
Protein change: p.Ile4010=; no amino-acid change (isoleucine 4010 retained).
Molecular consequence: synonymous variant.
Genome position (GRCh38, 1-based): chr11:103,323,981, C>A. VCF-style: chr11-103323981-C-A. GRCh37 (hg19) VCF-style: chr11-103194709-C-A.
Other names: c.12051C>A, p.Ile4017= (NM_001080463.2); c.12051C>A (NM_001080463.1).
Identifiers: ClinVar variation 2800910 (VCV002800910.5), dbSNP rs755670853, ClinGen allele CA6255438.